The following is an entry in ClinVar:

ClinVar aggregate classification (germline): Benign/Likely benign. Review status: criteria provided, multiple submitters, no conflicts (2 of 4 stars). 6 submissions from 6 submitters: Benign (3); Likely benign (1). 2 of the submissions do not count toward it. Last evaluated 2026-01-15.

Conditions:
Hereditary sensory and autonomic neuropathy with spastic paraplegia (HSNSP). Identifiers: Orphanet 139578, MedGen C1850395, MONDO:0009748, OMIM 256840.

Allele frequency attached by ClinVar (database versions not stated): gnomAD exomes 0.00200; ExAC 0.00230; gnomAD 0.00768; TOPMed 0.00768; ESP Exome Variant Server 0.00784; 1000 Genomes Project 0.00799; 1000 Genomes Project 30x 0.00906.
gnomAD v4.1: 2,386 of 1,614,090 alleles (0.15%); highest among the groups gnomAD compares: African/African-American, 2.5%; 24 homozygotes.

Submissions (6):

Labcorp Genetics (formerly Invitae), Labcorp
Classification: Benign for Hereditary sensory and autonomic neuropathy with spastic paraplegia. Last evaluated: 2026-01-15. Review status: criteria provided, single submitter. Criteria: Invitae Variant Classification Sherloc (09022015). Collection method: clinical testing. Allele origin: germline.

Blueprint Genetics
Classification: Likely benign. Last evaluated: 2024-11-25. Review status: criteria provided, single submitter. Criteria: ACMG Guidelines, 2015. Collection method: clinical testing. Allele origin: germline.

Illumina Laboratory Services, Illumina
Classification: Benign for Hereditary sensory and autonomic neuropathy with spastic paraplegia. Last evaluated: 2017-04-27. Review status: criteria provided, single submitter. Criteria: ICSL Variant Classification Criteria 13 December 2019. Collection method: clinical testing. Allele origin: germline.
Comment: This variant was observed as part of a predisposition screen in an ostensibly healthy population. A literature search was performed for the gene, cDNA change, and amino acid change (where applicable). No publications were found based on this search. Allele frequency data from public databases was too high to be consistent with this variant causing disease. Therefore, this variant is classified as benign.

Breakthrough Genomics
Classification: Benign. Review status: criteria provided, single submitter. Criteria: ACMG Guidelines, 2015. Collection method: not provided. Allele origin: germline. Inheritance: Autosomal recessive inheritance. Affected: yes.

Clinical Genetics DNA and cytogenetics Diagnostics Lab, Erasmus MC, Erasmus Medical Center
Classification: Benign. Review status: no assertion criteria provided. Collection method: clinical testing. Allele origin: germline. Affected: yes. Study: VKGL Data-share Consensus. Not counted in ClinVar's aggregate classification.

Clinical Genetics, Academic Medical Center
Classification: Benign. Review status: no assertion criteria provided. Collection method: clinical testing. Allele origin: germline. Affected: yes. Study: VKGL Data-share Consensus. Not counted in ClinVar's aggregate classification.

NM_012073.5(CCT5):c.1194G>A (p.Ala398=)

Gene: CCT5 (chaperonin containing TCP1 subunit 5; plus strand). Cytogenetic location: 5p15.2.
Variant type: single nucleotide variant.
Coding change: c.1194G>A on transcript NM_012073.5 (MANE Select); coding-DNA position 1194, G replaced by A.
Protein change: p.Ala398=; no amino-acid change (alanine 398 retained).
Molecular consequence: synonymous variant.
Genome position (GRCh38, 1-based): chr5:10,262,495, G>A. VCF-style: chr5-10262495-G-A. GRCh37 (hg19) VCF-style: chr5-10262607-G-A.
Other names: c.1131G>A, p.Ala377= (NM_001306153.1); c.1029G>A, p.Ala343= (NM_001306154.2); c.915G>A, p.Ala305= (NM_001306155.2); c.1080G>A, p.Ala360= (NM_001306156.2).
Identifiers: ClinVar variation 465404 (VCV000465404.20), dbSNP rs113262482, ClinGen allele CA3198295.